The following is an entry in ClinVar:

ClinVar aggregate classification (germline): Uncertain significance (1 of 4 stars; one submission).

Conditions:
Hypertrophic cardiomyopathy. Also called: HYPERTROPHIC MYOCARDIOPATHY. Identifiers: Orphanet 217569, MedGen C0007194, MeSH D002312, MONDO:0005045, HP:0001639.

Submission:

Labcorp Genetics (formerly Invitae), Labcorp
Classification: Uncertain significance for Hypertrophic cardiomyopathy. Last evaluated: 2024-10-12. Review status: criteria provided, single submitter. Criteria: Invitae Variant Classification Sherloc (09022015). Collection method: clinical testing. Allele origin: germline.
Comment: This sequence change replaces serine, which is neutral and polar, with alanine, which is neutral and non-polar, at codon 1137 of the MYH7 protein (p.Ser1137Ala). This variant is not present in population databases (gnomAD no frequency). This variant has not been reported in the literature in individuals affected with MYH7-related conditions. Invitae Evidence Modeling of protein sequence and biophysical properties (such as structural, functional, and spatial information, amino acid conservation, physicochemical variation, residue mobility, and thermodynamic stability) indicates that this missense variant is not expected to disrupt MYH7 protein function with a negative predictive value of 95%. In summary, the available evidence is currently insufficient to determine the role of this variant in disease. Therefore, it has been classified as a Variant of Uncertain Significance.

NM_000257.4(MYH7):c.3409T>G (p.Ser1137Ala)

Gene: MYH7 (myosin heavy chain 7; minus strand). Cytogenetic location: 14q11.2.
Variant type: single nucleotide variant.
Coding change: c.3409T>G on transcript NM_000257.4 (MANE Select); coding-DNA position 3409, T replaced by G.
Protein change: p.Ser1137Ala; replaces serine 1137 with alanine.
Molecular consequence: missense variant.
Genome position (GRCh38, 1-based): chr14:23,420,162, A>C on the plus strand (T>G on the coding strand, the complement: MYH7 is on the minus strand). VCF-style: chr14-23420162-A-C. GRCh37 (hg19) VCF-style: chr14-23889371-A-C.
Other names: c.3409T>G, p.Ser1137Ala (NM_001407004.1); short protein forms S1137A.
Identifiers: ClinVar variation 2830802 (VCV002830802.3), dbSNP rs2502265109, ClinGen allele CA389043982.
Genomic context (GRCh38, chr14:23,420,162, plus strand): 5'-TGGCCCCGCCGGCCTCTTCCAGCCGCTCGCTGATCTCCTCCAGCTCCCGAGACAGGTCTG[A>C]GCGCAGCTTCTCCACCTTAGCCCTGGCGGTGCGCTCGGCCTCCAGCTCCTCCTCCAGCTC-3'
Protein context (NP_000248.2, residues 1127-1147): TARAKVEKLR[Ser1137Ala]DLSRELEEIS